The following continues an entry in ClinVar:

NM_002878.4(RAD51D):c.413A>G (p.Asn138Ser)

ClinVar aggregate classification (germline): Conflicting classifications of pathogenicity. Uncertain significance (9); Likely benign (7).

Submissions 13 to 17 of 17:

ARUP Laboratories, Molecular Genetics and Genomics, ARUP Laboratories
Classification: Uncertain significance for Breast-ovarian cancer, familial, susceptibility to, 4. Last evaluated: 2023-02-28. Review status: criteria provided, single submitter. Criteria: ARUP Molecular Germline Variant Investigation Process 2024. Collection method: clinical testing. Allele origin: germline.
Comment: The RAD51D c.413A>G; p.Asn138Ser variant (rs201676898) is reported in the literature in individuals with hereditary cancer syndromes (Boni 2022, Sanchez-Bermudez 2018, Shindo 2017, Tsaousis 2019), and is reported in ClinVar (Variation ID: 127889). This variant is observed in the general population with an overall allele frequency of 0.01% (32/282836 alleles) in the Genome Aggregation Database. Computational analyses predict that this variant is neutral (REVEL: 0.061). Based on available information, the clinical significance of this variant is uncertain at this time. References: Boni J et al. A decade of RAD51C and RAD51D germline variants in cancer. Hum Mutat. 2022 Mar;43(3):285-298. PMID: 34923718. Sanchez-Bermudez AI et al. Mutational analysis of RAD51C and RAD51D genes in hereditary breast and ovarian cancer families from Murcia (southeastern Spain). Eur J Med Genet. 2018 Jun;61(6):355-361. PMID: 29409816. Shindo K et al. Deleterious Germline Mutations in Patients With Apparently Sporadic Pancreatic Adenocarcinoma. J Clin Oncol. 2017 Oct 20;35(30):3382-3390. PMID: 28767289. Tsaousis GN et al. Analysis of hereditary cancer syndromes by using a panel of genes: novel and multiple pathogenic mutations. BMC Cancer. 2019 Jun 3;19(1):535. PMID: 31159747.

CHEO Genetics Diagnostic Laboratory, Children's Hospital of Eastern Ontario
Classification: Uncertain significance for Breast and/or ovarian cancer. Last evaluated: 2021-05-11. Review status: criteria provided, single submitter. Criteria: ACMG Guidelines, 2015. Collection method: clinical testing. Allele origin: germline.

Ambry Genetics
Classification: Likely benign for Hereditary cancer-predisposing syndrome. Last evaluated: 2019-02-16. Review status: criteria provided, single submitter. Criteria: Ambry Variant Classification Scheme 2023. Collection method: clinical testing. Allele origin: germline.

GeneKor MSA
Classification: Uncertain significance for Hereditary cancer-predisposing syndrome. Last evaluated: 2018-08-01. Review status: criteria provided, single submitter. Criteria: ACMG Guidelines, 2015. Collection method: clinical testing. Allele origin: germline. Affected: yes.

Counsyl
Classification: Uncertain significance for Breast-ovarian cancer, familial, susceptibility to, 4. Last evaluated: 2016-07-05. Review status: no assertion criteria provided. Collection method: clinical testing. Allele origin: unknown. Not counted in ClinVar's aggregate classification.

Literature cited by the submitters: PubMed 33471991 (cited by Quest Diagnostics Nichols Institute San Juan Capistrano); PubMed 25111073 (cited by 3 submitters); PubMed 25186627 (cited by 3 submitters); PubMed 27443514 (cited by Quest Diagnostics Nichols Institute San Juan Capistrano and Women's Health and Genetics/Laboratory Corporation of America, LabCorp); PubMed 28767289 (cited by Quest Diagnostics Nichols Institute San Juan Capistrano and Women's Health and Genetics/Laboratory Corporation of America, LabCorp); PubMed 29409816 (cited by Quest Diagnostics Nichols Institute San Juan Capistrano and Women's Health and Genetics/Laboratory Corporation of America, LabCorp); PubMed 31159747 (cited by Quest Diagnostics Nichols Institute San Juan Capistrano and Women's Health and Genetics/Laboratory Corporation of America, LabCorp); PubMed 35893033 (cited by Quest Diagnostics Nichols Institute San Juan Capistrano); PubMed 25085752 (cited by Myriad Genetics, Inc.).